The following is an entry in ClinVar:

NM_001366145.2(TRPM3):c.1541G>A (p.Arg514His)

Gene: TRPM3 (transient receptor potential cation channel subfamily M member 3; minus strand). Cytogenetic location: 9q21.12.
Variant type: single nucleotide variant.
Coding change: c.1541G>A on transcript NM_001366145.2 (MANE Select); coding-DNA position 1541, G replaced by A.
Protein change: p.Arg514His; replaces arginine 514 with histidine.
Molecular consequence: missense variant.
Genome position (GRCh38, 1-based): chr9:70,639,100, C>T on the plus strand (G>A on the coding strand, the complement: TRPM3 is on the minus strand). VCF-style: chr9-70639100-C-T. GRCh37 (hg19) VCF-style: chr9-73254016-C-T.
Other names: c.1547G>A, p.Arg516His (NM_001366141.2, NM_001366142.2, NM_001366143.2); c.1541G>A, p.Arg514His (NM_001366146.2, NM_001366149.2, NM_001366150.2 and 2 more transcripts); c.1616G>A, p.Arg539His (NM_001366147.2, NM_001366148.2, NM_001366152.2); c.1082G>A, p.Arg361His (NM_001366154.2, NM_020952.6, NM_024971.7 and 2 more transcripts); c.1157G>A, p.Arg386His (NM_206946.5, NM_206947.5); short protein forms R361H, R386H, R514H, R516H, R539H.
Identifiers: ClinVar variation 4872913 (VCV004872913.2).

ClinVar aggregate classification (germline): Likely benign (1 of 4 stars; one submission).

gnomAD v4.1: 43 of 1,613,818 alleles (0.0027%); highest among the groups gnomAD compares: Admixed American, 0.013%; no homozygotes.

Submission:

CeGaT Center for Human Genetics Tuebingen
Classification: Likely benign. Last evaluated: 2026-06-01. Review status: criteria provided, single submitter. Criteria: CeGaT Center For Human Genetics Tuebingen Variant Classification Criteria Version 2. Collection method: clinical testing. Allele origin: germline. Affected: yes. Observed: 1 variant allele.
Comment: TRPM3: BS2